The following is an entry in ClinVar:

NM_021830.5(TWNK):c.1735-14C>A

Gene: TWNK (twinkle mtDNA helicase; plus strand). Cytogenetic location: 10q24.31.
Variant type: single nucleotide variant.
Coding change: c.1735-14C>A on transcript NM_021830.5 (MANE Select); 14 bases into the intron before coding-DNA position 1735, C replaced by A.
Molecular consequence: intron variant.
Genome position (GRCh38, 1-based): chr10:100,993,176, C>A. VCF-style: chr10-100993176-C-A. GRCh37 (hg19) VCF-style: chr10-102752933-C-A.
Other names: c.*30-14C>A (NM_001163812.2, NM_001163814.2); c.373-14C>A (NM_001163813.2, NM_001368275.1).
Identifiers: ClinVar variation 136594 (VCV000136594.19), dbSNP rs201795189, ClinGen allele CA289762.

ClinVar aggregate classification (germline): Conflicting classifications of pathogenicity. Review status: criteria provided, conflicting classifications (1 of 4 stars). 8 submissions from 5 submitters: Uncertain significance (2); Benign (5); Likely benign (1). Last evaluated 2026-02-02.

Conditions:
Autosomal recessive cerebellar ataxia. Also called: Spinocerebellar Ataxia, Recessive; Spinocerebellar ataxia, autosomal recessive. Identifiers: Orphanet 1172, MedGen C5575375, MONDO:0015244.
Infantile onset spinocerebellar ataxia (MTDPS7). Also called: SPINOCEREBELLAR ATAXIA, INFANTILE, WITH SENSORY NEUROPATHY; Mitochondrial DNA depletion syndrome 7 (hepatocerebral type); OPHTHALMOPLEGIA, HYPOTONIA, ATAXIA, HYPOACUSIS, AND ATHETOSIS; OHAHA SYNDROME. Identifiers: Orphanet 1186, MedGen C1849096, MONDO:0010060, OMIM 271245.
Sensory ataxic neuropathy, dysarthria, and ophthalmoparesis (SANDO). Also called: Ataxia Neuropathy Spectrum (ANS); Sensory ataxic neuropathy-dysarthria-ophthalmoparesis syndrome; SENSORY ATAXIC NEUROPATHY WITH MITOCHONDRIAL DNA DELETIONS, AUTOSOMAL RECESSIVE; Epilepsy, progressive myoclonic, type 5. Identifiers: Orphanet 70595, MedGen C1843851, MONDO:0011835, OMIM 607459.
Progressive external ophthalmoplegia with mitochondrial DNA deletions, autosomal dominant 3. Also called: PROGRESSIVE EXTERNAL OPHTHALMOPLEGIA, AUTOSOMAL DOMINANT 3. Identifiers: MedGen C1836439, MONDO:0012241, OMIM 609286.

Allele frequency attached by ClinVar (database versions not stated): 1000 Genomes Project 30x 0.00078; 1000 Genomes Project 0.00080; ESP Exome Variant Server 0.00092; gnomAD 0.00121 and 0.00127; TOPMed 0.00130.
gnomAD v4.1: 3,739 of 1,613,960 alleles (0.23%); highest among the groups gnomAD compares: Non-Finnish European, 0.29%; 8 homozygotes.

Submissions (10):

Labcorp Genetics (formerly Invitae), Labcorp
Classification: Benign. Last evaluated: 2026-02-02. Review status: criteria provided, single submitter. Criteria: Invitae Variant Classification Sherloc (09022015). Collection method: clinical testing. Allele origin: germline.

Blueprint Genetics
Classification: Likely benign. Last evaluated: 2024-11-01. Review status: criteria provided, single submitter. Criteria: ACMG Guidelines, 2015. Collection method: clinical testing. Allele origin: germline.

Illumina Laboratory Services, Illumina
Classification: Benign for Sensory ataxic neuropathy-dysarthria-ophthalmoparesis syndrome. Last evaluated: 2018-01-13. Review status: criteria provided, single submitter. Criteria: ICSL Variant Classification Criteria 13 December 2019. Collection method: clinical testing. Allele origin: germline.
Comment: This variant was observed in the ICSL laboratory as part of a predisposition screen in an ostensibly healthy population. It had not been previously curated by ICSL or reported in the Human Gene Mutation Database (HGMD: prior to June 1st, 2018), and was therefore a candidate for classification through an automated scoring system. Utilizing variant allele frequency, disease prevalence and penetrance estimates, and inheritance mode, an automated score was calculated to assess if this variant is too frequent to cause the disease. Based on the score and internal cut-off values, a variant classified as benign is not then subjected to further curation. The score for this variant resulted in a classification of benign for this disease.

Illumina Laboratory Services, Illumina
Classification: Uncertain significance for Autosomal recessive cerebellar ataxia. Last evaluated: 2018-01-13. Review status: criteria provided, single submitter. Criteria: ICSL Variant Classification Criteria 13 December 2019. Collection method: clinical testing. Allele origin: germline.

Illumina Laboratory Services, Illumina
Classification: Uncertain significance for Infantile onset spinocerebellar ataxia. Last evaluated: 2018-01-13. Review status: criteria provided, single submitter. Criteria: ICSL Variant Classification Criteria 13 December 2019. Collection method: clinical testing. Allele origin: germline.

Illumina Laboratory Services, Illumina
Classification: Benign for Progressive external ophthalmoplegia with mitochondrial DNA deletions, autosomal dominant 3. Last evaluated: 2018-01-13. Review status: criteria provided, single submitter. Criteria: ICSL Variant Classification Criteria 13 December 2019. Collection method: clinical testing. Allele origin: germline.
Comment: the same text as in the submission from Illumina Laboratory Services, Illumina above.

GeneDx
Classification: Benign. Last evaluated: 2013-06-05. Review status: criteria provided, single submitter. Criteria: GeneDx Variant Classification (06012015). Collection method: clinical testing. Allele origin: germline. Affected: yes.
Comment: This variant is considered likely benign or benign based on one or more of the following criteria: it is a conservative change, it occurs at a poorly conserved position in the protein, it is predicted to be benign by multiple in silico algorithms, and/or has population frequency not consistent with disease.

PreventionGenetics, part of Exact Sciences
Classification: Benign. Review status: criteria provided, single submitter. Criteria: ACMG Guidelines, 2015. Collection method: clinical testing. Allele origin: germline.

Dr. Peter K. Rogan Lab, Western University
No classification provided (evidence only). Condition: Familial cancer of breast. Review status: no classification provided. Collection method: in vitro. Allele origin: not applicable. Functional consequence: retained intron. Not counted in ClinVar's aggregate classification.

Dr. Peter K. Rogan Lab, Western University
No classification provided (evidence only). Condition: Ovarian serous cystadenocarcinoma. Review status: no classification provided. Collection method: in vitro. Allele origin: not applicable. Functional consequence: retained intron. Not counted in ClinVar's aggregate classification.